The following is an entry in ClinVar:

ClinVar aggregate classification (germline): Uncertain significance. Review status: criteria provided, multiple submitters, no conflicts (2 of 4 stars). 4 submissions from 4 submitters: Uncertain significance (2). 2 of the submissions do not count toward it. Last evaluated 2026-04-03.

Conditions:
Dworschak-Punetha neurodevelopmental syndrome (DWOPNED). Identifiers: MedGen C5677017, MONDO:0859260, OMIM 619955.
PLXNA1-related disorder. Also called: PLXNA1-related condition.
Neurodevelopmental disorder. Identifiers: MedGen C1535926, MeSH D065886, MONDO:0700092.

Allele frequency attached by ClinVar (database versions not stated): gnomAD exomes below 0.00001 and 0.00003; ExAC 0.00001; TOPMed 0.00002; gnomAD 0.00003 and 0.00004.
gnomAD v4.1: 43 of 1,607,712 alleles (0.0027%); highest among the groups gnomAD compares: Non-Finnish European, 0.0033%; no homozygotes.

Submissions (4):

PreventionGenetics, part of Exact Sciences
Classification: Uncertain significance for PLXNA1-related condition. Last evaluated: 2026-04-03. Review status: criteria provided, single submitter. Criteria: ACMG Guidelines, 2015. Collection method: clinical testing. Allele origin: germline.
Comment: The PLXNA1 c.2641C>T variant is predicted to result in the amino acid substitution p.Arg881Trp. This variant has been reported in the homozygous state in an individual with features consistent with autosomal recessive Dworschak-Punetha neurodevelopmental syndrome (Dworschak et al. 2021. PubMed ID: 34054129). This variant is reported in 0.00089% of alleles in individuals of European (Non-Finnish) descent in gnomAD. At this time, the clinical significance of this variant is uncertain due to the absence of conclusive functional and genetic evidence.

Women's Health and Genetics/Laboratory Corporation of America, LabCorp
Classification: Uncertain significance. Last evaluated: 2024-09-25. Review status: criteria provided, single submitter. Criteria: LabCorp Variant Classification Summary - May 2015. Collection method: clinical testing. Allele origin: germline.
Comment: Variant summary: PLXNA1 c.2641C>T (p.Arg881Trp) results in a non-conservative amino acid change located in the IPT domain (IPR002909) of the encoded protein sequence. Three of five in-silico tools predict a damaging effect of the variant on protein function. The variant allele was found at a frequency of 4.1e-06 in 244852 control chromosomes. c.2641C>T has been reported in the literature in at least one homozygous individual affected with Dworschak-Punetha Neurodevelopmental Syndrome (e.g., Dworschak_2021). These data indicate that the variant may be associated with disease. To our knowledge, no experimental evidence demonstrating an impact on protein function has been reported. The following publication was ascertained in the context of this evaluation (PMID: 34054129). ClinVar contains an entry for this variant (Variation ID: 867238). Based on the evidence outlined above, the variant was classified as VUS-possibly pathogenic.

OMIM
Classification: Pathogenic for DWORSCHAK-PUNETHA NEURODEVELOPMENTAL SYNDROME. Last evaluated: 2022-07-13. Review status: no assertion criteria provided. Collection method: literature only. Allele origin: germline. Not counted in ClinVar's aggregate classification.

Lupski Lab, Baylor-Hopkins CMG, Baylor College of Medicine
Classification: Likely pathogenic for Neurodevelopmental disorder. Last evaluated: 2019-11-30. Review status: no assertion criteria provided. Collection method: research. Allele origin: inherited. Inheritance: Autosomal recessive inheritance. Affected: yes. Observed: 1 homozygote. Segregation with disease observed. Not counted in ClinVar's aggregate classification.

Literature cited by the submitters: PubMed 34054129 (cited by Women's Health and Genetics/Laboratory Corporation of America, LabCorp and OMIM).

NM_032242.4(PLXNA1):c.2641C>T (p.Arg881Trp)

Gene: PLXNA1 (plexin A1; plus strand). Cytogenetic location: 3q21.3.
Variant type: single nucleotide variant.
Coding change: c.2641C>T on transcript NM_032242.4 (MANE Select); coding-DNA position 2641, C replaced by T.
Protein change: p.Arg881Trp; replaces arginine 881 with tryptophan.
Molecular consequence: missense variant.
Genome position (GRCh38, 1-based): chr3:127,014,514, C>T. VCF-style: chr3-127014514-C-T. GRCh37 (hg19) VCF-style: chr3-126733357-C-T.
Other names: short protein forms R881W.
Identifiers: ClinVar variation 867238 (VCV000867238.4), dbSNP rs762983679, ClinGen allele CA2593714.